The following is an entry in ClinVar:

ClinVar aggregate classification (germline): Likely benign. Review status: criteria provided, multiple submitters, no conflicts (2 of 4 stars). 2 submissions from 2 submitters: Likely benign (2). Last evaluated 2025-03-31.

Allele frequency attached by ClinVar (database versions not stated): gnomAD 0.00001; ExAC 0.00002.
gnomAD v4.1: 30 of 1,609,910 alleles (0.0019%); highest among the groups gnomAD compares: Non-Finnish European, 0.0023%; no homozygotes.

Submissions (2):

Labcorp Genetics (formerly Invitae), Labcorp
Classification: Likely benign. Last evaluated: 2025-03-31. Review status: criteria provided, single submitter. Criteria: Invitae Variant Classification Sherloc (09022015). Collection method: clinical testing. Allele origin: germline.

CeGaT Center for Human Genetics Tuebingen
Classification: Likely benign. Last evaluated: 2024-05-01. Review status: criteria provided, single submitter. Criteria: CeGaT Center For Human Genetics Tuebingen Variant Classification Criteria Version 2. Collection method: clinical testing. Allele origin: germline. Affected: yes. Observed: 1 variant allele.
Comment: STAT4: BP4, BP7

NM_003151.4(STAT4):c.1641A>G (p.Ser547=)

Gene: STAT4 (signal transducer and activator of transcription 4; minus strand). Cytogenetic location: 2q32.2.
Variant type: single nucleotide variant.
Coding change: c.1641A>G on transcript NM_003151.4 (MANE Select); coding-DNA position 1641, A replaced by G.
Protein change: p.Ser547=; no amino-acid change (serine 547 retained).
Molecular consequence: synonymous variant.
Genome position (GRCh38, 1-based): chr2:191,033,985, T>C on the plus strand (A>G on the coding strand, the complement: STAT4 is on the minus strand). VCF-style: chr2-191033985-T-C. GRCh37 (hg19) VCF-style: chr2-191898711-T-C.
Other names: c.1641A>G, p.Ser547= (NM_001243835.2).
Identifiers: ClinVar variation 3239489 (VCV003239489.21), dbSNP rs759378650.